The following is an entry in ClinVar:

NM_000245.4(MET):c.961T>C (p.Tyr321His)

Gene: MET (MET proto-oncogene, receptor tyrosine kinase; plus strand). Cytogenetic location: 7q31.2.
Variant type: single nucleotide variant.
Coding change: c.961T>C on transcript NM_000245.4 (MANE Select); coding-DNA position 961, T replaced by C.
Protein change: p.Tyr321His; replaces tyrosine 321 with histidine.
Molecular consequence: missense variant. On other transcripts: intron variant (1).
Genome position (GRCh38, 1-based): chr7:116,700,045, T>C. VCF-style: chr7-116700045-T-C. GRCh37 (hg19) VCF-style: chr7-116340099-T-C.
Other names: c.961T>C, p.Tyr321His (NM_001127500.3, NM_001324401.3); c.-91+27468T>C (NM_001324402.2); short protein forms Y321H.
Identifiers: ClinVar variation 1505339 (VCV001505339.8), dbSNP rs2116601933, ClinGen allele CA368970238.
Genomic context (GRCh38, chr7:116,700,045, plus strand): 5'-ACAGAAAAGAGAAAAAAGAGATCCACAAAGAAGGAAGTGTTTAATATACTTCAGGCTGCG[T>C]ATGTCAGCAAGCCTGGGGCCCAGCTTGCTAGACAAATAGGAGCCAGCCTGAATGATGACA-3'
Protein context (NP_000236.2, residues 311-331): KEVFNILQAA[Tyr321His]VSKPGAQLAR

ClinVar aggregate classification (germline): Uncertain significance (1 of 4 stars; one submission).

Conditions:
Renal cell carcinoma. Identifiers: Orphanet 217071, MedGen C0007134, MeSH D002292, MONDO:0005086, HP:0005584.

Submission:

Labcorp Genetics (formerly Invitae), Labcorp
Classification: Uncertain significance for Renal cell carcinoma. Last evaluated: 2021-07-27. Review status: criteria provided, single submitter. Criteria: Invitae Variant Classification Sherloc (09022015). Collection method: clinical testing. Allele origin: germline.
Comment: In summary, the available evidence is currently insufficient to determine the role of this variant in disease. Therefore, it has been classified as a Variant of Uncertain Significance. Algorithms developed to predict the effect of missense changes on protein structure and function are either unavailable or do not agree on the potential impact of this missense change (SIFT: "Tolerated"; PolyPhen-2: "Probably Damaging"; Align-GVGD: "Class C0"). This variant has not been reported in the literature in individuals affected with MET-related conditions. This variant is not present in population databases (ExAC no frequency). This sequence change replaces tyrosine with histidine at codon 321 of the MET protein (p.Tyr321His). The tyrosine residue is moderately conserved and there is a moderate physicochemical difference between tyrosine and histidine.